The following is an entry in ClinVar:

NM_000142.5(FGFR3):c.619C>T (p.Arg207Trp)

Gene: FGFR3 (fibroblast growth factor receptor 3; plus strand). Cytogenetic location: 4p16.3.
Variant type: single nucleotide variant.
Coding change: c.619C>T on transcript NM_000142.5 (MANE Select); coding-DNA position 619, C replaced by T.
Protein change: p.Arg207Trp; replaces arginine 207 with tryptophan.
Molecular consequence: missense variant. On other transcripts: non-coding transcript variant (1).
Genome position (GRCh38, 1-based): chr4:1,801,623, C>T. VCF-style: chr4-1801623-C-T. GRCh37 (hg19) VCF-style: chr4-1803350-C-T.
Other names: c.619C>T, p.Arg207Trp (NM_001163213.2, NM_001354809.2, NM_001354810.2 and 1 more transcripts); short protein forms R207W.
Identifiers: ClinVar variation 4750697 (VCV004750697.1).

ClinVar aggregate classification (germline): Uncertain significance (1 of 4 stars; one submission).

Submission:

Labcorp Genetics (formerly Invitae), Labcorp
Classification: Uncertain significance. Last evaluated: 2025-05-21. Review status: criteria provided, single submitter. Criteria: Invitae Variant Classification Sherloc (09022015). Collection method: clinical testing. Allele origin: germline.
Comment: This sequence change replaces arginine, which is basic and polar, with tryptophan, which is neutral and slightly polar, at codon 207 of the FGFR3 protein (p.Arg207Trp). This variant is not present in population databases (gnomAD no frequency). This variant has not been reported in the literature in individuals affected with FGFR3-related conditions. Invitae Evidence Modeling of protein sequence and biophysical properties (such as structural, functional, and spatial information, amino acid conservation, physicochemical variation, residue mobility, and thermodynamic stability) indicates that this missense variant is expected to disrupt FGFR3 protein function with a positive predictive value of 80%. In summary, the available evidence is currently insufficient to determine the role of this variant in disease. Therefore, it has been classified as a Variant of Uncertain Significance.